The following is an entry in ClinVar:

Single allele

Genes: ARHGAP11B (Rho GTPase activating protein 11B), ARHGAP11B-DT (ARHGAP11B divergent transcript), CHRFAM7A (CHRNA7 (exons 5-10) and FAM7A (exons A-E) fusion; minus strand), LINC02249 (long intergenic non-protein coding RNA 2249; plus strand), GOLGA8H (golgin A8 family member H) and 10 more. Cytogenetic location: 15q13.2.
Variant type: Deletion.
Identifiers: ClinVar variation 157338 (VCV000157338.2).

ClinVar aggregate classification (germline): not provided (0 of 4 stars; one submission).

Conditions:
Preeclampsia. Identifiers: Orphanet 275555, MedGen C0032914, MONDO:0005081, HP:0100602.

Submission:

Institute of Molecular and Cell Biology, University of Tartu
No classification provided. Condition: Preeclampsia. Review status: no classification provided. Collection method: case-control. Allele origin: unknown. Affected: yes. Study: Kasak2014.
Comment: The study aimed to determine the contribution of copy number variants in the genetic etiology of normal and complicated pregnancies. The samples represented (i) maternal blood DNA drawn from healthy pregnant women during 1st or 2nd trimester and (ii) maternal and paternal blood DNA drawn at term pregnancy cases representing normal and complicated gestations (severe preeclampsia, PE; gestational diabetes, GD; small-for-gestational age newborn, SGA; large-for-gestational age newborn, LGA). We performed CNV calling based on genome-wide genotyping dataset (Illumina HumanOmniExpress-24-v1 BeadChip) by applying three algorithms, QuantiSNP, GADA (Genome Alteration Detection Algorithm) and CNstream in parallel. The acquired CNV calls were merged with HD-CNV (Hotspot Detector for Copy Number Variants) program and only the CNVs predicted by at least two programs, were considered in subsequent analysis.

Literature cited by the submitters: PubMed 25666259.